The following is an entry in ClinVar:

ClinVar aggregate classification (germline): Pathogenic/Likely pathogenic. Review status: criteria provided, multiple submitters, no conflicts (2 of 4 stars). 4 submissions from 4 submitters: Pathogenic (2); Likely pathogenic (2). Last evaluated 2025-12-09.

Conditions:
Arthrogryposis multiplex congenita (AMC). Also called: Congenital multiple arthrogryposis; Fibrous ankylosis of multiple joints; Congenital arthromyodysplasia; Myodystrophia fetalis deformans; Otto syndrome; Rocher-Sheldon syndrome. Identifiers: Orphanet 1037, MedGen C5779613, MeSH D001176, MONDO:0015168, HP:0002804.
Fetal akinesia deformation sequence 1 (FADS1). Also called: Pena-Shokeir syndrome type I; Fetal akinesia sequence. Identifiers: Orphanet 994, MedGen C1276035, MONDO:0100101, OMIM 208150, HP:0001989.
Myopathy, distal, 5 (MPD5). Also called: Adenylosuccinate synthetase-like 1-related distal myopathy. Identifiers: Orphanet 482601, MedGen C5567521, MONDO:0014877, OMIM 617030.

Submissions (4):

Labcorp Genetics (formerly Invitae), Labcorp
Classification: Pathogenic. Last evaluated: 2025-12-09. Review status: criteria provided, single submitter. Criteria: Invitae Variant Classification Sherloc (09022015). Collection method: clinical testing. Allele origin: germline.
Comment: This sequence change creates a premature translational stop signal (p.Lys291Argfs*23) in the ADSSL1 gene. It is expected to result in an absent or disrupted protein product. Loss-of-function variants in ADSSL1 are known to be pathogenic (PMID: 26506222). The frequency data for this variant in the population databases is considered unreliable, as metrics indicate poor data quality at this position in the gnomAD database. This premature translational stop signal has been observed in individual(s) with ADSSL1-related conditions (PMID: 31680123). ClinVar contains an entry for this variant (Variation ID: 692295). For these reasons, this variant has been classified as Pathogenic.

Broad Center for Mendelian Genomics, Broad Institute of MIT and Harvard
Classification: Likely pathogenic for Myopathy, distal, 5. Last evaluated: 2023-01-25. Review status: criteria provided, single submitter. Criteria: ACMG Guidelines, 2015. Collection method: curation. Allele origin: germline. Inheritance: Autosomal recessive inheritance.
Comment: The p.Lys248ArgfsTer23 variant in ADSSL1 has been previously reported in one individual with adenylosuccinate synthetase-like 1-related distal myopathy (PMID: 31680123), but has been identified in 0.004% (5/112132) of European (non-Finnish) chromosomes by the Genome Aggregation Database (gnomAD; dbSNP ID: rs769542442). Although this variant has been seen in the general population in a heterozygous state, its frequency is low enough to be consistent with a recessive carrier frequency. This variant has also been reported in ClinVar (Variation ID: 692295) and has been interpreted as pathogenic by the Cirak Lab of the University Hospital of Cologne and Invitae and as likely pathogenic by MDZ Medical Genetics Center. This variant is predicted to cause a frameshift, which alters the protein‚Äôs amino acid sequence beginning at position 248 and leads to a premature termination codon 23 amino acids downstream. This alteration is then predicted to lead to a truncated or absent protein. Loss of function of the ADSSL1 gene is an established disease mechanism in autosomal recessive adenylosuccinate synthetase-like 1-related distal myopathy. In summary, although additional studies are required to fully establish its clinical significance, this variant is likely pathogenic for autosomal recessive adenylosuccinate synthetase-like 1-related distal myopathy. ACMG/AMP Criteria applied: PVS1, PM2_Supporting (Richards 2015).

MGZ Medical Genetics Center
Classification: Likely pathogenic for Myopathy, distal, 5. Last evaluated: 2022-01-18. Review status: criteria provided, single submitter. Criteria: ACMG Guidelines, 2015. Collection method: clinical testing. Allele origin: germline. Affected: yes. Observed: 1 variant allele.
Comment: ACMG criteria applied: PVS1, PM2_SUP

Cirak Lab, University Hospital Cologne
Classification: Pathogenic for Arthrogryposis multiplex congenita; Fetal akinesia sequence. Last evaluated: 2019-06-28. Review status: criteria provided, single submitter. Criteria: ACMG Guidelines, 2015. Collection method: research. Allele origin: unknown. Affected: yes. Observed: 1 variant allele.

Literature cited by the submitters: PubMed 26506222 (cited by Labcorp Genetics (formerly Invitae), Labcorp); PubMed 31680123 (cited by Labcorp Genetics (formerly Invitae), Labcorp and Cirak Lab, University Hospital Cologne).

NM_152328.5(ADSS1):c.741del (p.Lys248fs)

Gene: ADSS1 (adenylosuccinate synthase 1; plus strand). Cytogenetic location: 14q32.33.
Variant type: Deletion.
Coding change: c.741del on transcript NM_152328.5 (MANE Select); coding-DNA position 741, one base deleted (C; older notation c.741delC).
Protein change: p.Lys248fs; shifts the reading frame from lysine 248.
Molecular consequence: frameshift variant.
Genome position (GRCh38, 1-based): chr14:104,741,191, C deleted; the last of 7 consecutive C bases (chr14:104,741,185-104,741,191); deleting any one gives the same sequence. VCF-style (leftmost placement, unchanged base first): chr14-104741184-GC-G. GRCh37 (hg19) VCF-style: chr14-105207521-GC-G.
Other names: NM_152328.5(ADSS1):c.741del; p.Lys248fs; c.126del, p.Lys43fs (NM_001320424.1); c.870del, p.Lys291fs (NM_199165.2); short protein forms K291fs, K248fs, K43fs.
Identifiers: ClinVar variation 692295 (VCV000692295.10), dbSNP rs769542442, ClinGen allele CA7373828.